The following is an entry in ClinVar:

ClinVar aggregate classification (germline): Likely benign. Review status: criteria provided, multiple submitters, no conflicts (2 of 4 stars). 2 submissions from 2 submitters: Likely benign (2). Last evaluated 2025-09-27.

Conditions:
ATP2B2-related disorder. Also called: ATP2B2-related condition.

Allele frequency attached by ClinVar (database versions not stated): ExAC 0.00001.
gnomAD v4.1: 23 of 1,613,960 alleles (0.0014%); highest among the groups gnomAD compares: Middle Eastern, 0.016%; no homozygotes.

Submissions (2):

PreventionGenetics, part of Exact Sciences
Classification: Likely benign for ATP2B2-related condition. Last evaluated: 2025-09-27. Review status: criteria provided, single submitter. Criteria: ACMG Guidelines, 2015. Collection method: clinical testing. Allele origin: germline.
Comment: This variant is classified as likely benign based on ACMG/AMP sequence variant interpretation guidelines (Richards et al. 2015 PMID: 25741868, with internal and published modifications).

CeGaT Center for Human Genetics Tuebingen
Classification: Likely benign. Last evaluated: 2023-10-01. Review status: criteria provided, single submitter. Criteria: CeGaT Center For Human Genetics Tuebingen Variant Classification Criteria Version 2. Collection method: clinical testing. Allele origin: germline. Affected: yes. Observed: 1 variant allele.
Comment: ATP2B2: BP4

NM_001001331.4(ATP2B2):c.2136+5G>T

Gene: ATP2B2 (ATPase plasma membrane Ca2+ transporting 2; minus strand). Cytogenetic location: 3p25.3.
Variant type: single nucleotide variant.
Coding change: c.2136+5G>T on transcript NM_001001331.4 (MANE Select); 5 bases into the intron after coding-DNA position 2136, G replaced by T.
Molecular consequence: intron variant.
Genome position (GRCh38, 1-based): chr3:10,358,686, C>A on the plus strand (G>T on the coding strand, the complement: ATP2B2 is on the minus strand). VCF-style: chr3-10358686-C-A. GRCh37 (hg19) VCF-style: chr3-10400370-C-A.
Other names: c.2001+5G>T (NM_001353564.1, NM_001683.5, NM_001330611.3 and 2 more transcripts).
Identifiers: ClinVar variation 2653521 (VCV002653521.25), dbSNP rs761402525, ClinGen allele CA2253494.